The following is an entry in ClinVar:

NM_001148.6(ANK2):c.4930C>A (p.Leu1644Met)

Gene: ANK2 (ankyrin 2; plus strand). Cytogenetic location: 4q26.
Variant type: single nucleotide variant.
Coding change: c.4930C>A on transcript NM_001148.6 (MANE Select); coding-DNA position 4930, C replaced by A.
Protein change: p.Leu1644Met; replaces leucine 1644 with methionine.
Molecular consequence: missense variant. On other transcripts: intron variant (68).
Genome position (GRCh38, 1-based): chr4:113,353,548, C>A. VCF-style: chr4-113353548-C-A. GRCh37 (hg19) VCF-style: chr4-114274704-C-A.
Other names: c.4696C>A, p.Leu1566Met (NM_001386142.1); c.1330C>A, p.Leu444Met (NM_001386166.1); c.5071C>A, p.Leu1691Met (NM_001386174.1); c.5047C>A, p.Leu1683Met (NM_001386175.1); c.4411+3299C>A (NM_001386186.2, NM_001386148.2); c.4213+3299C>A (NM_001354269.3); c.4291+3299C>A (NM_001386187.2); c.4252+3299C>A (NM_001386147.1); and 35 more; short protein forms L1566M, L1644M, L1683M, L1691M, L444M.
Identifiers: ClinVar variation 1063586 (VCV001063586.8), dbSNP rs373344024, ClinGen allele CA3051156.

ClinVar aggregate classification (germline): Uncertain significance. Review status: criteria provided, multiple submitters, no conflicts (2 of 4 stars). 3 submissions from 3 submitters: Uncertain significance (3). Last evaluated 2025-09-20.

Conditions:
Long QT syndrome (LQTS). Identifiers: MedGen C0023976, MeSH D008133, MONDO:0002442. Disease mechanism: loss of function. Inheritance: Various modes of inheritance.
Cardiac arrhythmia, ankyrin-B-related. Also called: ANKYRIN-B SYNDROME. Identifiers: Orphanet 101016, Orphanet 768, MedGen C1970119, MONDO:0010958, OMIM 600919.
Cardiovascular phenotype. Identifiers: MedGen CN230736.

Allele frequency attached by ClinVar (database versions not stated): gnomAD 0.00001; gnomAD exomes 0.00001; ExAC 0.00002; TOPMed 0.00003; ESP Exome Variant Server 0.00008.
gnomAD v4.1: 3 of 1,613,974 alleles (0.00019%); highest among the groups gnomAD compares: African/African-American, 0.004%; no homozygotes.

Submissions (3):

Labcorp Genetics (formerly Invitae), Labcorp
Classification: Uncertain significance for Long QT syndrome. Last evaluated: 2025-09-20. Review status: criteria provided, single submitter. Criteria: Invitae Variant Classification Sherloc (09022015). Collection method: clinical testing. Allele origin: germline.
Comment: This sequence change replaces leucine, which is neutral and non-polar, with methionine, which is neutral and non-polar, at codon 1644 of the ANK2 protein (p.Leu1644Met). This variant is present in population databases (rs373344024, gnomAD 0.01%). This variant has not been reported in the literature in individuals affected with ANK2-related conditions. ClinVar contains an entry for this variant (Variation ID: 1063586). An algorithm developed to predict the effect of missense changes on protein structure and function (PolyPhen-2) suggests that this variant is likely to be disruptive. In summary, the available evidence is currently insufficient to determine the role of this variant in disease. Therefore, it has been classified as a Variant of Uncertain Significance.

Ambry Genetics
Classification: Uncertain significance for Cardiovascular phenotype. Last evaluated: 2023-12-30. Review status: criteria provided, single submitter. Criteria: Ambry Variant Classification Scheme 2023. Collection method: clinical testing. Allele origin: germline.

Fulgent Genetics
Classification: Uncertain significance for Cardiac arrhythmia, ankyrin-B-related. Last evaluated: 2021-08-24. Review status: criteria provided, single submitter. Criteria: ACMG Guidelines, 2015. Collection method: clinical testing. Allele origin: unknown.